The following is an entry in ClinVar:

ClinVar aggregate classification (germline): Conflicting classifications of pathogenicity. Review status: criteria provided, conflicting classifications (1 of 4 stars). 5 submissions from 5 submitters: Uncertain significance (3); Likely benign (1). 1 of the submissions does not count toward it. Last evaluated 2025-01-27.

Conditions:
Alstrom syndrome (ALMS). Identifiers: Orphanet 64, MedGen C0268425, MONDO:0008763, OMIM 203800.
Cardiovascular phenotype. Identifiers: MedGen CN230736.

Allele frequency attached by ClinVar (database versions not stated): ExAC 0.00004; gnomAD exomes 0.00004 and 0.00007; gnomAD 0.00005; TOPMed 0.00005.
gnomAD v4.1: 106 of 1,614,050 alleles (0.0066%); highest among the groups gnomAD compares: Non-Finnish European, 0.008%; no homozygotes.

Submissions (5):

Ambry Genetics
Classification: Likely benign for Cardiovascular phenotype. Last evaluated: 2025-01-27. Review status: criteria provided, single submitter. Criteria: Ambry Variant Classification Scheme 2023. Collection method: clinical testing. Allele origin: germline.

Labcorp Genetics (formerly Invitae), Labcorp
Classification: Uncertain significance for Alstrom syndrome. Last evaluated: 2024-01-19. Review status: criteria provided, single submitter. Criteria: Invitae Variant Classification Sherloc (09022015). Collection method: clinical testing. Allele origin: germline.
Comment: This sequence change replaces isoleucine, which is neutral and non-polar, with valine, which is neutral and non-polar, at codon 4105 of the ALMS1 protein (p.Ile4105Val). This variant is present in population databases (rs780286947, gnomAD 0.006%). This variant has not been reported in the literature in individuals affected with ALMS1-related conditions. ClinVar contains an entry for this variant (Variation ID: 991355). Experimental studies and prediction algorithms are not available or were not evaluated, and the functional significance of this variant is currently unknown. In summary, the available evidence is currently insufficient to determine the role of this variant in disease. Therefore, it has been classified as a Variant of Uncertain Significance.

GeneDx
Classification: Uncertain significance. Last evaluated: 2022-03-24. Review status: criteria provided, single submitter. Criteria: GeneDx Variant Classification Process June 2021. Collection method: clinical testing. Allele origin: germline. Affected: yes.
Comment: Not observed at significant frequency in large population cohorts (gnomAD); In silico analysis supports that this missense variant does not alter protein structure/function; Has not been previously published as pathogenic or benign to our knowledge

Fulgent Genetics
Classification: Uncertain significance for Alstrom syndrome. Last evaluated: 2021-11-08. Review status: criteria provided, single submitter. Criteria: ACMG Guidelines, 2015. Collection method: clinical testing. Allele origin: unknown.

Natera, Inc.
Classification: Uncertain significance for Alstrom syndrome. Last evaluated: 2020-08-14. Review status: no assertion criteria provided. Collection method: clinical testing. Allele origin: germline. Not counted in ClinVar's aggregate classification.

NM_001378454.1(ALMS1):c.12310A>G (p.Ile4104Val)

Gene: ALMS1 (ALMS1 centrosome and basal body associated protein; plus strand). Cytogenetic location: 2p13.1.
Variant type: single nucleotide variant.
Coding change: c.12310A>G on transcript NM_001378454.1 (MANE Select); coding-DNA position 12310, A replaced by G.
Protein change: p.Ile4104Val; replaces isoleucine 4104 with valine.
Molecular consequence: missense variant.
Genome position (GRCh38, 1-based): chr2:73,603,252, A>G. VCF-style: chr2-73603252-A-G. GRCh37 (hg19) VCF-style: chr2-73830379-A-G.
Other names: c.12313A>G, p.Ile4105Val (NM_015120.4); short protein forms I4104V, I4105V.
Identifiers: ClinVar variation 991355 (VCV000991355.12), dbSNP rs780286947, ClinGen allele CA1715526.